The following is an entry in ClinVar:

NM_000203.5(IDUA):c.322A>T (p.Ser108Cys)

Gene: IDUA (alpha-L-iduronidase; plus strand). Cytogenetic location: 4p16.3.
Variant type: single nucleotide variant.
Coding change: c.322A>T on transcript NM_000203.5 (MANE Select); coding-DNA position 322, A replaced by T.
Protein change: p.Ser108Cys; replaces serine 108 with cysteine.
Molecular consequence: missense variant. On other transcripts: 5 prime UTR variant (1), non-coding transcript variant (1).
Genome position (GRCh38, 1-based): chr4:1,000,634, A>T. VCF-style: chr4-1000634-A-T. GRCh37 (hg19) VCF-style: chr4-994422-A-T.
Other names: c.-75A>T (NM_001363576.1); short protein forms S108C.
Identifiers: ClinVar variation 850662 (VCV000850662.14), dbSNP rs1715015091, ClinGen allele CA355961040.

ClinVar aggregate classification (germline): Uncertain significance. Review status: criteria provided, single submitter (1 of 4 stars). 2 submissions from 2 submitters: Uncertain significance (1). 1 of the submissions does not count toward it. Last evaluated 2019-03-19.

Conditions:
Mucopolysaccharidosis type 1. Also called: IDUA deficiency; MPS I; Mucopolysaccharidosis Type I. Identifiers: Orphanet 579, MedGen C0023786, MONDO:0001586.

gnomAD v4.1: 1 of 1,612,672 alleles (0.000062%); no homozygotes.

Submissions (2):

Labcorp Genetics (formerly Invitae), Labcorp
Classification: Uncertain significance for Mucopolysaccharidosis type 1. Last evaluated: 2019-03-19. Review status: criteria provided, single submitter. Criteria: Invitae Variant Classification Sherloc (09022015). Collection method: clinical testing. Allele origin: germline.
Comment: This variant has not been reported in the literature in individuals with IDUA-related conditions. This variant is not present in population databases (ExAC no frequency). This sequence change replaces serine with cysteine at codon 108 of the IDUA protein (p.Ser108Cys). The serine residue is weakly conserved and there is a moderate physicochemical difference between serine and cysteine. Algorithms developed to predict the effect of missense changes on protein structure and function are either unavailable or do not agree on the potential impact of this missense change (SIFT: "Tolerated"; PolyPhen-2: "Possibly Damaging"; Align-GVGD: "Class C0"). In summary, the available evidence is currently insufficient to determine the role of this variant in disease. Therefore, it has been classified as a Variant of Uncertain Significance.

Natera, Inc.
Classification: Uncertain significance for Mucopolysaccharidosis type I. Last evaluated: 2020-09-01. Review status: no assertion criteria provided. Collection method: clinical testing. Allele origin: germline. Not counted in ClinVar's aggregate classification.